The following is an entry in ClinVar:

NM_015175.3(NBEAL2):c.8010C>T (p.His2670=)

Gene: NBEAL2 (neurobeachin like 2; plus strand). Cytogenetic location: 3p21.31.
Variant type: single nucleotide variant.
Coding change: c.8010C>T on transcript NM_015175.3 (MANE Select); coding-DNA position 8010, C replaced by T.
Protein change: p.His2670=; no amino-acid change (histidine 2670 retained).
Molecular consequence: synonymous variant.
Genome position (GRCh38, 1-based): chr3:47,008,651, C>T. VCF-style: chr3-47008651-C-T. GRCh37 (hg19) VCF-style: chr3-47050141-C-T.
Other names: c.7908C>T, p.His2636= (NM_001365116.2).
Identifiers: ClinVar variation 4755325 (VCV004755325.3).

ClinVar aggregate classification (germline): Likely benign. Review status: criteria provided, multiple submitters, no conflicts (2 of 4 stars). 3 submissions from 3 submitters: Likely benign (3). Last evaluated 2025-09-05.

Conditions:
NBEAL2-related disorder. Also called: NBEAL2-related condition.

gnomAD v4.1: 51 of 1,613,342 alleles (0.0032%); highest among the groups gnomAD compares: South Asian, 0.053%; 1 homozygote.

Submissions (3):

Labcorp Genetics (formerly Invitae), Labcorp
Classification: Likely benign. Last evaluated: 2025-09-05. Review status: criteria provided, single submitter. Criteria: Invitae Variant Classification Sherloc (09022015). Collection method: clinical testing. Allele origin: germline.

PreventionGenetics, part of Exact Sciences
Classification: Likely benign for NBEAL2-related condition. Last evaluated: 2025-07-31. Review status: criteria provided, single submitter. Criteria: ACMG Guidelines, 2015. Collection method: clinical testing. Allele origin: germline.
Comment: This variant is classified as likely benign based on ACMG/AMP sequence variant interpretation guidelines (Richards et al. 2015 PMID: 25741868, with internal and published modifications).

Blueprint Genetics
Classification: Likely benign. Last evaluated: 2024-11-19. Review status: criteria provided, single submitter. Criteria: ACMG Guidelines, 2015. Collection method: clinical testing. Allele origin: germline.